The following is an entry in ClinVar:

ClinVar aggregate classification (germline): Conflicting classifications of pathogenicity. Review status: criteria provided, conflicting classifications (1 of 4 stars). 3 submissions from 3 submitters: Uncertain significance (1); Likely benign (2). Last evaluated 2026-09-15.

Conditions:
PLEC-related disorder. Also called: PLEC-related disorders; PLEC-related condition.
Epidermolysis bullosa simplex 5C, with pyloric atresia (EBS5C). Also called: PLEC-Related Epidermolysis Bullosa with Pyloric Atresia; PLEC1-Related Epidermolysis Bullosa with Pyloric Atresia; Epidermolysis bullosa simplex with pyloric atresia. Identifiers: Orphanet 158684, MedGen C2677349, MONDO:0012807, OMIM 612138.
Epidermolysis bullosa simplex, Ogna type (EBS5A). Also called: Pidermolysis bullosa simplex 5A, Ogna type; EPIDERMOLYSIS BULLOSA SIMPLEX 5A, OGNA TYPE. Identifiers: Orphanet 79401, MedGen C0432317, MONDO:0007555, OMIM 131950.
Epidermolysis bullosa simplex 5B, with muscular dystrophy (EBS5B). Also called: Epidermolysis bullosa simplex with muscular dystrophy; EPIDERMOLYSIS BULLOSA SIMPLEX AND LIMB-GIRDLE MUSCULAR DYSTROPHY. Identifiers: Orphanet 257, MedGen C2931072, MONDO:0009181, OMIM 226670.
Epidermolysis bullosa simplex with nail dystrophy (EBS5D). Identifiers: MedGen C4225309, MONDO:0014661, OMIM 616487.
Autosomal recessive limb-girdle muscular dystrophy type 2Q (LGMDR17). Also called: MUSCULAR DYSTROPHY, LIMB-GIRDLE, AUTOSOMAL RECESSIVE 17. Identifiers: Orphanet 254361, MedGen C3150989, MONDO:0013390, OMIM 613723.

Allele frequency attached by ClinVar (database versions not stated): gnomAD 0.00008 and 0.00012; gnomAD exomes 0.00008 and 0.00019; TOPMed 0.00010; ExAC 0.00012; 1000 Genomes Project 30x 0.00016; 1000 Genomes Project 0.00020.

Submissions (3):

PreventionGenetics, part of Exact Sciences
Classification: Likely benign for PLEC-related condition. Last evaluated: 2026-09-15. Review status: criteria provided, single submitter. Criteria: ACMG Guidelines, 2015. Collection method: clinical testing. Allele origin: germline.
Comment: This variant is classified as likely benign based on ACMG/AMP sequence variant interpretation guidelines (Richards et al. 2015 PMID: 25741868, with internal and published modifications).

Labcorp Genetics (formerly Invitae), Labcorp
Classification: Likely benign for Autosomal recessive limb-girdle muscular dystrophy type 2Q; Epidermolysis bullosa simplex, Ogna type; Epidermolysis bullosa simplex with nail dystrophy; Epidermolysis bullosa simplex 5C, with pyloric atresia; Epidermolysis bullosa simplex 5B, with muscular dystrophy. Last evaluated: 2026-01-08. Review status: criteria provided, single submitter. Criteria: Invitae Variant Classification Sherloc (09022015). Collection method: clinical testing. Allele origin: germline.

Eurofins Ntd Llc (ga)
Classification: Uncertain significance. Last evaluated: 2017-12-12. Review status: criteria provided, single submitter. Criteria: EGL Classification Definitions 2015. Collection method: clinical testing. Allele origin: germline. Observed: 1 variant allele, 1 heterozygote.

NM_201384.3(PLEC):c.12669C>T (p.Arg4223=)

Gene: PLEC (plectin; minus strand). Cytogenetic location: 8q24.3.
Variant type: single nucleotide variant.
Coding change: c.12669C>T on transcript NM_201384.3 (MANE Select); coding-DNA position 12669, C replaced by T.
Protein change: p.Arg4223=; no amino-acid change (arginine 4223 retained).
Molecular consequence: synonymous variant.
Genome position (GRCh38, 1-based): chr8:143,917,152, G>A on the plus strand (C>T on the coding strand, the complement: PLEC is on the minus strand). VCF-style: chr8-143917152-G-A. GRCh37 (hg19) VCF-style: chr8-144991320-G-A.
Other names: c.12750C>T, p.Arg4250= (NM_000445.5); c.12627C>T, p.Arg4209= (NM_201378.4); c.12603C>T, p.Arg4201= (NM_201379.3); c.13080C>T, p.Arg4360= (NM_201380.4); c.12573C>T, p.Arg4191= (NM_201381.3); c.12669C>T, p.Arg4223= (NM_201382.4); c.12681C>T, p.Arg4227= (NM_201383.3).
Identifiers: ClinVar variation 595339 (VCV000595339.15), dbSNP rs571894941, ClinGen allele CA4924021.
Genomic context (GRCh38, chr8:143,917,152, plus strand): 5'-GAAACCACCGGCGTTGCCCGAGAGCATGTCGGCGAACTCGGTGATGGAGAGCGTGCCGGC[G>A]CGGTACTGGTCCAGTGCCGAGCGGTCGATGAGGTTCTTGGCGATGGCATCATCGATGTCG-3'
Protein context (NP_958786.1, residues 4213-4233): LIDRSALDQY[Arg4223=]AGTLSITEFA